The following is an entry in ClinVar:

ClinVar aggregate classification (germline): Pathogenic/Likely pathogenic. Review status: criteria provided, multiple submitters, no conflicts (2 of 4 stars). 2 submissions from 2 submitters: Pathogenic (1); Likely pathogenic (1). Last evaluated 2024-02-29.

Conditions:
Acyl-CoA dehydrogenase 9 deficiency. Also called: Acyl-CoA dehydrogenase family, member 9, deficiency of; MITOCHONDRIAL COMPLEX I DEFICIENCY, NUCLEAR TYPE 20. Identifiers: Orphanet 99901, MedGen C4747517, MONDO:0012624, OMIM 611126.

Allele frequency attached by ClinVar (database versions not stated): TOPMed below 0.00001.

Submissions (2):

Baylor Genetics
Classification: Likely pathogenic for Acyl-CoA dehydrogenase 9 deficiency. Last evaluated: 2024-02-29. Review status: criteria provided, single submitter. Criteria: ACMG Guidelines, 2015. Collection method: clinical testing. Allele origin: unknown.

Labcorp Genetics (formerly Invitae), Labcorp
Classification: Pathogenic. Last evaluated: 2022-12-16. Review status: criteria provided, single submitter. Criteria: Invitae Variant Classification Sherloc (09022015). Collection method: clinical testing. Allele origin: germline.
Comment: This sequence change creates a premature translational stop signal (p.Asp62Glyfs*2) in the ACAD9 gene. It is expected to result in an absent or disrupted protein product. Loss-of-function variants in ACAD9 are known to be pathogenic (PMID: 25721401). This variant is not present in population databases (gnomAD no frequency). This variant has not been reported in the literature in individuals affected with ACAD9-related conditions. ClinVar contains an entry for this variant (Variation ID: 1033254). For these reasons, this variant has been classified as Pathogenic.

Literature cited by the submitters: PubMed 25721401 (cited by Labcorp Genetics (formerly Invitae), Labcorp).

NM_014049.5(ACAD9):c.184dup (p.Asp62fs)

Gene: ACAD9 (acyl-CoA dehydrogenase family member 9; plus strand). Cytogenetic location: 3q21.3.
Variant type: Duplication.
Coding change: c.184dup on transcript NM_014049.5 (MANE Select); coding-DNA position 184, one base duplicated (G; older notation c.184dupG).
Protein change: p.Asp62fs; shifts the reading frame from aspartic acid 62.
Molecular consequence: frameshift variant. On other transcripts: non-coding transcript variant (1).
Genome position (GRCh38, 1-based): chr3:128,884,686, G duplicated. VCF-style (leftmost placement, unchanged base first): chr3-128884685-A-AG. GRCh37 (hg19) VCF-style: chr3-128603528-A-AG.
Other names: short protein forms D62fs.
Identifiers: ClinVar variation 1033254 (VCV001033254.8), dbSNP rs1935194749, ClinGen allele CA1400900488.